The following is an entry in ClinVar:

ClinVar aggregate classification (germline): Uncertain significance (1 of 4 stars; one submission).

gnomAD v4.1: 3 of 1,611,958 alleles (0.00019%); highest among the groups gnomAD compares: East Asian, 0.0022%; no homozygotes.

Submission:

Labcorp Genetics (formerly Invitae), Labcorp
Classification: Uncertain significance. Last evaluated: 2026-01-22. Review status: criteria provided, single submitter. Criteria: Invitae Variant Classification Sherloc (09022015). Collection method: clinical testing. Allele origin: germline.
Comment: This sequence change falls in intron 27 of the DIAPH3 gene. It does not directly change the encoded amino acid sequence of the DIAPH3 protein. This variant is present in population databases (no rsID available, gnomAD 0.006%). This variant has not been reported in the literature in individuals affected with DIAPH3-related conditions. Algorithms developed to predict the effect of sequence changes on RNA splicing suggest that this variant may disrupt the consensus splice site. In summary, the available evidence is currently insufficient to determine the role of this variant in disease. Therefore, it has been classified as a Variant of Uncertain Significance.

NM_001042517.2(DIAPH3):c.3319+15T>G

Gene: DIAPH3 (diaphanous related formin 3; minus strand). Cytogenetic location: 13q21.2.
Variant type: single nucleotide variant.
Coding change: c.3319+15T>G on transcript NM_001042517.2 (MANE Select); 15 bases into the intron after coding-DNA position 3319, T replaced by G.
Molecular consequence: intron variant. On other transcripts: missense variant (2).
Genome position (GRCh38, 1-based): chr13:59,774,174, A>C on the plus strand (T>G on the coding strand, the complement: DIAPH3 is on the minus strand). VCF-style: chr13-59774174-A-C. GRCh37 (hg19) VCF-style: chr13-60348308-A-C.
Other names: c.3334T>G, p.Leu1112Val (NM_001258369.2); c.2545T>G, p.Leu849Val (NM_030932.4); c.3109+15T>G (NM_001258368.2); c.3181+15T>G (NM_001258367.2); c.3286+15T>G (NM_001258366.2); short protein forms L849V, L1112V.
Identifiers: ClinVar variation 4769023 (VCV004769023.1).